The following is an entry in ClinVar:

NM_000441.2(SLC26A4):c.1673A>T (p.Asn558Ile)

Gene: SLC26A4 (solute carrier family 26 member 4; plus strand). Cytogenetic location: 7q22.3.
Variant type: single nucleotide variant.
Coding change: c.1673A>T on transcript NM_000441.2 (MANE Select); coding-DNA position 1673, A replaced by T.
Protein change: p.Asn558Ile; replaces asparagine 558 with isoleucine.
Molecular consequence: missense variant.
Genome position (GRCh38, 1-based): chr7:107,700,141, A>T. VCF-style: chr7-107700141-A-T. GRCh37 (hg19) VCF-style: chr7-107340586-A-T.
Other names: short protein forms N558I.
Identifiers: ClinVar variation 2136592 (VCV002136592.4), dbSNP rs766206507, ClinGen allele CA368842231.
Genomic context (GRCh38, chr7:107,700,141, plus strand): 5'-AGATTGAAGAACCTCAAGGAGTGAAGATTCTTAGATTTTCCAGTCCTATTTTCTATGGCA[A>T]TGTCGATGGTTTTAAAAAATGTATCAAGTCCACAGTAAGTATTTTATCCCTAGAAATTTG-3'
Protein context (NP_000432.1, residues 548-568): LRFSSPIFYG[Asn558Ile]VDGFKKCIKS

ClinVar aggregate classification (germline): Pathogenic (1 of 4 stars; one submission).

Submission:

Labcorp Genetics (formerly Invitae), Labcorp
Classification: Pathogenic. Last evaluated: 2022-11-28. Review status: criteria provided, single submitter. Criteria: Invitae Variant Classification Sherloc (09022015). Collection method: clinical testing. Allele origin: germline.
Comment: For these reasons, this variant has been classified as Pathogenic. This variant disrupts the p.Asn558 amino acid residue in SLC26A4. Other variant(s) that disrupt this residue have been determined to be pathogenic (PMID: 28964290; Invitae). This suggests that this residue is clinically significant, and that variants that disrupt this residue are likely to be disease-causing. Advanced modeling of protein sequence and biophysical properties (such as structural, functional, and spatial information, amino acid conservation, physicochemical variation, residue mobility, and thermodynamic stability) performed at Invitae indicates that this missense variant is expected to disrupt SLC26A4 protein function. This missense change has been observed in individual(s) with non-syndromic deafness and enlarged vestibular aqueduct (PMID: 29501320). It has also been observed to segregate with disease in related individuals. This variant is not present in population databases (gnomAD no frequency). This sequence change replaces asparagine, which is neutral and polar, with isoleucine, which is neutral and non-polar, at codon 558 of the SLC26A4 protein (p.Asn558Ile).

Literature cited by the submitters: PubMed 28964290; PubMed 29501320.